The following is an entry in ClinVar:

ClinVar aggregate classification (germline): Uncertain significance (1 of 4 stars; one submission).

Allele frequency attached by ClinVar (database versions not stated): TOPMed below 0.00001.

Submission:

Labcorp Genetics (formerly Invitae), Labcorp
Classification: Uncertain significance. Last evaluated: 2021-12-08. Review status: criteria provided, single submitter. Criteria: Invitae Variant Classification Sherloc (09022015). Collection method: clinical testing. Allele origin: germline.
Comment: In summary, the available evidence is currently insufficient to determine the role of this variant in disease. Therefore, it has been classified as a Variant of Uncertain Significance. Algorithms developed to predict the effect of missense changes on protein structure and function (SIFT, PolyPhen-2, Align-GVGD) all suggest that this variant is likely to be tolerated. This variant has not been reported in the literature in individuals affected with SLC7A14-related conditions. This variant is not present in population databases (gnomAD no frequency). This sequence change replaces proline, which is neutral and non-polar, with histidine, which is basic and polar, at codon 626 of the SLC7A14 protein (p.Pro626His).

NM_020949.3(SLC7A14):c.1877C>A (p.Pro626His)

Genes: SLC7A14 (solute carrier family 7 member 14; minus strand), SLC7A14-AS1 (SLC7A14 antisense RNA 1; plus strand). Cytogenetic location: 3q26.2.
Variant type: single nucleotide variant.
Coding change: c.1877C>A on transcript NM_020949.3 (MANE Select); coding-DNA position 1877, C replaced by A.
Protein change: p.Pro626His; replaces proline 626 with histidine.
Molecular consequence: missense variant.
Genome position (GRCh38, 1-based): chr3:170,480,405, G>T on the plus strand (C>A on the coding strand, the complement: SLC7A14 is on the minus strand). VCF-style: chr3-170480405-G-T. GRCh37 (hg19) VCF-style: chr3-170198194-G-T.
Other names: short protein forms P626H.
Identifiers: ClinVar variation 1417756 (VCV001417756.8), dbSNP rs1711770313, ClinGen allele CA355488846.